The following is an entry in ClinVar:

NM_001004334.4(GPR179):c.724C>T (p.Arg242Ter)

Gene: GPR179 (G protein-coupled receptor 179; minus strand). Cytogenetic location: 17q12.
Variant type: single nucleotide variant.
Coding change: c.724C>T on transcript NM_001004334.4 (MANE Select); coding-DNA position 724, C replaced by T.
Protein change: p.Arg242Ter; replaces arginine 242 with a stop codon.
Molecular consequence: nonsense.
Genome position (GRCh38, 1-based): chr17:38,343,066, G>A on the plus strand (C>T on the coding strand, the complement: GPR179 is on the minus strand). VCF-style: chr17-38343066-G-A. GRCh37 (hg19) VCF-style: chr17-36498949-G-A.
Other names: short protein forms R242*.
Identifiers: ClinVar variation 1452621 (VCV001452621.7), dbSNP rs767509745, ClinGen allele CA290111356.

ClinVar aggregate classification (germline): Pathogenic/Likely pathogenic. Review status: criteria provided, multiple submitters, no conflicts (2 of 4 stars). 2 submissions from 2 submitters: Pathogenic (1); Likely pathogenic (1). Last evaluated 2024-02-24.

Conditions:
GPR179-related disorders.

Allele frequency attached by ClinVar (database versions not stated): gnomAD exomes 0.00001 and 0.00002; ExAC 0.00002; TOPMed 0.00002; gnomAD 0.00003 and 0.00004.
gnomAD v4.1: 19 of 1,614,080 alleles (0.0012%); highest among the groups gnomAD compares: African/African-American, 0.0093%; no homozygotes.

Submissions (2):

Labcorp Genetics (formerly Invitae), Labcorp
Classification: Pathogenic. Last evaluated: 2024-02-24. Review status: criteria provided, single submitter. Criteria: Invitae Variant Classification Sherloc (09022015). Collection method: clinical testing. Allele origin: germline.
Comment: This sequence change creates a premature translational stop signal (p.Arg242*) in the GPR179 gene. It is expected to result in an absent or disrupted protein product. Loss-of-function variants in GPR179 are known to be pathogenic (PMID: 22325361, 22325362). This variant is present in population databases (rs767509745, gnomAD 0.008%). This variant has not been reported in the literature in individuals affected with GPR179-related conditions. ClinVar contains an entry for this variant (Variation ID: 1452621). For these reasons, this variant has been classified as Pathogenic.

Blueprint Genetics
Classification: Likely pathogenic for GPR179-related disorders. Last evaluated: 2022-08-05. Review status: criteria provided, single submitter. Criteria: ACMG Guidelines, 2015. Collection method: clinical testing. Allele origin: germline. Affected: yes. Observed: 2 variant alleles.

Literature cited by the submitters: PubMed 22325361 (cited by Labcorp Genetics (formerly Invitae), Labcorp); PubMed 22325362 (cited by Labcorp Genetics (formerly Invitae), Labcorp).